The following is an entry in ClinVar:

NM_000297.4(PKD2):c.251G>A (p.Arg84Gln)

Genes: PKD2 (polycystin 2, transient receptor potential cation channel; plus strand), LOC129992813 (ATAC-STARR-seq lymphoblastoid silent region 15559; plus strand). Cytogenetic location: 4q22.1.
Variant type: single nucleotide variant.
Coding change: c.251G>A on transcript NM_000297.4 (MANE Select); coding-DNA position 251, G replaced by A.
Protein change: p.Arg84Gln; replaces arginine 84 with glutamine.
Molecular consequence: missense variant. On other transcripts: non-coding transcript variant (1).
Genome position (GRCh38, 1-based): chr4:88,007,984, G>A. VCF-style: chr4-88007984-G-A. GRCh37 (hg19) VCF-style: chr4-88929136-G-A.
Other names: c.251G>A (NM_000297.3); short protein forms R84Q.
Identifiers: ClinVar variation 1447608 (VCV001447608.8), dbSNP rs1326556150, ClinGen allele CA357625870.

ClinVar aggregate classification (germline): Uncertain significance. Review status: criteria provided, multiple submitters, no conflicts (2 of 4 stars). 3 submissions from 3 submitters: Uncertain significance (3). Last evaluated 2025-12-18.

Conditions:
Inborn genetic diseases. Identifiers: MedGen C0950123, MeSH D030342.
Autosomal dominant polycystic kidney disease. Identifiers: Orphanet 730, MedGen C0085413, MONDO:0004691.
Polycystic kidney disease 2 (PKD2). Also called: Polycystic Kidney Disease 2, Autosomal Dominant; POLYCYSTIC KIDNEY DISEASE 2 WITH OR WITHOUT POLYCYSTIC LIVER DISEASE; POLYCYSTIC KIDNEY DISEASE, ADULT, TYPE II. Identifiers: MedGen C2751306, MONDO:0013131, OMIM 613095.

Allele frequency attached by ClinVar (database versions not stated): gnomAD 0.00001; gnomAD exomes 0.00001 and 0.00003; TOPMed 0.00001.
gnomAD v4.1: 7 of 1,511,260 alleles (0.00046%); highest among the groups gnomAD compares: Admixed American, 0.012%; no homozygotes.

Submissions (3):

Labcorp Genetics (formerly Invitae), Labcorp
Classification: Uncertain significance for Autosomal dominant polycystic kidney disease. Last evaluated: 2025-12-18. Review status: criteria provided, single submitter. Criteria: Invitae Variant Classification Sherloc (09022015). Collection method: clinical testing. Allele origin: germline.
Comment: This sequence change replaces arginine, which is basic and polar, with glutamine, which is neutral and polar, at codon 84 of the PKD2 protein (p.Arg84Gln). The frequency data for this variant in the population databases is considered unreliable, as metrics indicate poor data quality at this position in the gnomAD database. This variant has not been reported in the literature in individuals affected with PKD2-related conditions. ClinVar contains an entry for this variant (Variation ID: 1447608). An algorithm developed to predict the effect of missense changes on protein structure and function (PolyPhen-2) suggests that this variant is likely to be disruptive. In summary, the available evidence is currently insufficient to determine the role of this variant in disease. Therefore, it has been classified as a Variant of Uncertain Significance.

Ambry Genetics
Classification: Uncertain significance for Inborn genetic diseases. Last evaluated: 2025-07-15. Review status: criteria provided, single submitter. Criteria: Ambry Variant Classification Scheme 2023. Collection method: clinical testing. Allele origin: germline.

Fulgent Genetics
Classification: Uncertain significance for Polycystic kidney disease 2. Last evaluated: 2022-04-15. Review status: criteria provided, single submitter. Criteria: ACMG Guidelines, 2015. Collection method: clinical testing. Allele origin: unknown.